The following is an entry in ClinVar:

NM_000463.3(UGT1A1):c.472C>T (p.Pro158Ser)

Genes: UGT1A (UDP glucuronosyltransferase family 1 member A complex locus; plus strand), UGT1A1 (UDP glucuronosyltransferase family 1 member A1; plus strand), UGT1A10 (UDP glucuronosyltransferase family 1 member A10; plus strand), UGT1A3 (UDP glucuronosyltransferase family 1 member A3; plus strand), UGT1A4 (UDP glucuronosyltransferase family 1 member A4; plus strand) and 5 more. Cytogenetic location: 2q37.1.
Variant type: single nucleotide variant.
Coding change: c.472C>T on transcript NM_000463.3 (MANE Select); coding-DNA position 472, C replaced by T.
Protein change: p.Pro158Ser; replaces proline 158 with serine.
Molecular consequence: missense variant. On other transcripts: intron variant (9).
Genome position (GRCh38, 1-based): chr2:233,760,759, C>T. VCF-style: chr2-233760759-C-T. GRCh37 (hg19) VCF-style: chr2-234669405-C-T.
Other names: c.856-6275C>T (NM_019076.5, NM_019075.4, NM_021027.3 and 1 more transcripts); c.61-6275C>T (NM_205862.3); c.862-6275C>T (NM_001072.4); c.868-6275C>T (NM_019078.2, NM_007120.3, NM_019093.4); short protein forms P158S.
Identifiers: ClinVar variation 4987476 (VCV004987476.1).
Genomic context (GRCh38, chr2:233,760,759, plus strand): 5'-GCCTCCCTGGCAGAAAGCAGCTTTGATGTCATGCTGACGGACCCTTTCCTTCCTTGCAGC[C>T]CCATCGTGGCCCAGTACCTGTCTCTGCCCACTGTATTCTTCTTGCATGCACTGCCATGCA-3'
Protein context (NP_000454.1, residues 148-168): MLTDPFLPCS[Pro158Ser]IVAQYLSLPT

ClinVar aggregate classification (germline): Uncertain significance (1 of 4 stars; one submission).

Conditions:
UGT1A1-related disorder. Also called: UGT1A1-related disorders; UGT1A1-related condition.

gnomAD v4.1: 4 of 1,613,948 alleles (0.00025%); highest among the groups gnomAD compares: African/African-American, 0.004%; no homozygotes.

Submission:

PreventionGenetics, part of Exact Sciences
Classification: Uncertain significance for UGT1A1-related condition. Last evaluated: 2026-02-04. Review status: criteria provided, single submitter. Criteria: ACMG Guidelines, 2015. Collection method: clinical testing. Allele origin: germline.
Comment: The UGT1A1 c.472C>T variant is predicted to result in the amino acid substitution p.Pro158Ser. To our knowledge, this variant has not been reported in the literature or in a large population database (gnomAD), indicating this variant is rare. At this time, the clinical significance of this variant is uncertain due to the absence of conclusive functional and genetic evidence.